The following is an entry in ClinVar:

ClinVar aggregate classification (germline): Uncertain significance (1 of 4 stars; one submission).

Conditions:
Cystinuria (CSNU). Also called: CYSTINURIA, TYPE I; CYSTINURIA, TYPE II; CYSTINURIA, TYPE III; Cystinuria, non-type I. Identifiers: Orphanet 214, MedGen C0010691, MONDO:0009067, OMIM 220100, HP:0003131.

Submission:

Labcorp Genetics (formerly Invitae), Labcorp
Classification: Uncertain significance for Cystinuria. Last evaluated: 2022-08-02. Review status: criteria provided, single submitter. Criteria: Invitae Variant Classification Sherloc (09022015). Collection method: clinical testing. Allele origin: germline.
Comment: This sequence change replaces tyrosine, which is neutral and polar, with serine, which is neutral and polar, at codon 386 of the SLC3A1 protein (p.Tyr386Ser). This variant is not present in population databases (gnomAD no frequency). This variant has not been reported in the literature in individuals affected with SLC3A1-related conditions. Algorithms developed to predict the effect of missense changes on protein structure and function output the following: SIFT: "Tolerated"; PolyPhen-2: "Benign"; Align-GVGD: "Class C0". The serine amino acid residue is found in multiple mammalian species, which suggests that this missense change does not adversely affect protein function. In summary, the available evidence is currently insufficient to determine the role of this variant in disease. Therefore, it has been classified as a Variant of Uncertain Significance.

NM_000341.4(SLC3A1):c.1157A>C (p.Tyr386Ser)

Gene: SLC3A1 (solute carrier family 3 member 1; plus strand). Cytogenetic location: 2p21.
Variant type: single nucleotide variant.
Coding change: c.1157A>C on transcript NM_000341.4 (MANE Select); coding-DNA position 1157, A replaced by C.
Protein change: p.Tyr386Ser; replaces tyrosine 386 with serine.
Molecular consequence: missense variant.
Genome position (GRCh38, 1-based): chr2:44,304,163, A>C. VCF-style: chr2-44304163-A-C. GRCh37 (hg19) VCF-style: chr2-44531302-A-C.
Other names: short protein forms Y386S.
Identifiers: ClinVar variation 1714788 (VCV001714788.5), dbSNP rs764849767, ClinGen allele CA346682313.